The following is an entry in ClinVar:

ClinVar aggregate classification (germline): Uncertain significance (1 of 4 stars; one submission).

Allele frequency attached by ClinVar (database versions not stated): gnomAD exomes 0.00001; TOPMed 0.00002; gnomAD 0.00004.
gnomAD v4.1: 13 of 1,613,368 alleles (0.00081%); highest among the groups gnomAD compares: African/African-American, 0.0094%; no homozygotes.

Submission:

Labcorp Genetics (formerly Invitae), Labcorp
Classification: Uncertain significance. Last evaluated: 2021-09-24. Review status: criteria provided, single submitter. Criteria: Invitae Variant Classification Sherloc (09022015). Collection method: clinical testing. Allele origin: germline.
Comment: This sequence change replaces arginine with glutamine at codon 3542 of the PCLO protein (p.Arg3542Gln). The arginine residue is moderately conserved and there is a small physicochemical difference between arginine and glutamine. This variant is not present in population databases (ExAC no frequency). This variant has not been reported in the literature in individuals affected with PCLO-related conditions. Algorithms developed to predict the effect of missense changes on protein structure and function are either unavailable or do not agree on the potential impact of this missense change (SIFT: "Deleterious"; PolyPhen-2: "Not Available"; Align-GVGD: "Class C0"). In summary, the available evidence is currently insufficient to determine the role of this variant in disease. Therefore, it has been classified as a Variant of Uncertain Significance.

NM_033026.6(PCLO):c.10625G>A (p.Arg3542Gln)

Gene: PCLO (piccolo presynaptic cytomatrix protein; minus strand). Cytogenetic location: 7q21.11.
Variant type: single nucleotide variant.
Coding change: c.10625G>A on transcript NM_033026.6 (MANE Select); coding-DNA position 10625, G replaced by A.
Protein change: p.Arg3542Gln; replaces arginine 3542 with glutamine.
Molecular consequence: missense variant.
Genome position (GRCh38, 1-based): chr7:82,949,963, C>T on the plus strand (G>A on the coding strand, the complement: PCLO is on the minus strand). VCF-style: chr7-82949963-C-T. GRCh37 (hg19) VCF-style: chr7-82579279-C-T.
Other names: c.10625G>A, p.Arg3542Gln (NM_014510.3); short protein forms R3542Q.
Identifiers: ClinVar variation 1431591 (VCV001431591.5), dbSNP rs1467096191, ClinGen allele CA367902734.